The following is an entry in ClinVar:

NM_197968.4(ZMYM2):c.3781C>T (p.Arg1261Ter)

Gene: ZMYM2 (zinc finger MYM-type containing 2; plus strand). Cytogenetic location: 13q12.11.
Variant type: single nucleotide variant.
Coding change: c.3781C>T on transcript NM_197968.4 (MANE Select); coding-DNA position 3781, C replaced by T.
Protein change: p.Arg1261Ter; replaces arginine 1261 with a stop codon.
Molecular consequence: nonsense. On other transcripts: non-coding transcript variant (1).
Genome position (GRCh38, 1-based): chr13:20,082,993, C>T. VCF-style: chr13-20082993-C-T. GRCh37 (hg19) VCF-style: chr13-20657133-C-T.
Other names: c.3781C>T, p.Arg1261Ter (NM_001190964.4, NM_001190965.4, NM_001353157.2 and 4 more transcripts); c.3586C>T, p.Arg1196Ter (NM_001353161.3); c.3520C>T, p.Arg1174Ter (NM_001353163.2); c.3781C>T (NM_003453.3, NM_003453.4); short protein forms R1174*, R1196*, R1261*.
Identifiers: ClinVar variation 4072418 (VCV004072418.5).
Genomic context (GRCh38, chr13:20,082,993, plus strand): 5'-GGCACTGTGTTTAGGCATTGGAAAAAAAATCCTTTAACGATGGAAAACAAAGCGTGTCTT[C>T]GATACCAAGTGTCTTCCTTGTGTGGAACAGATAATGAAGGTAGTGTAACAGATTTCTATT-3'

ClinVar aggregate classification (germline): Conflicting classifications of pathogenicity. Review status: criteria provided, conflicting classifications (1 of 4 stars). 4 submissions from 4 submitters: Pathogenic (1); Likely pathogenic (2); Uncertain significance (1). Last evaluated 2026-09-16.

Conditions:
Inborn genetic diseases. Identifiers: MedGen C0950123, MeSH D030342.
Neurodevelopmental-craniofacial syndrome with variable renal and cardiac abnormalities. Identifiers: MedGen C5561984, MONDO:0859190, OMIM 619522.

gnomAD v4.1: 2 of 1,613,772 alleles (0.00012%); highest among the groups gnomAD compares: Non-Finnish European, 0.00017%; no homozygotes.

Submissions (4):

GeneDx
Classification: Likely pathogenic. Last evaluated: 2026-09-16. Review status: criteria provided, single submitter. Criteria: GeneDx Variant Classification Process June 2021. Collection method: clinical testing. Allele origin: germline.
Comment: Nonsense variant predicted to result in protein truncation or nonsense mediated decay in a gene for which loss of function is a known mechanism of disease; Has not been previously published as pathogenic or benign to our knowledge

Greenwood Genetic Center Diagnostic Laboratories, Greenwood Genetic Center
Classification: Likely pathogenic for Neurodevelopmental-craniofacial syndrome with variable renal and cardiac abnormalities. Last evaluated: 2026-04-28. Review status: criteria provided, single submitter. Criteria: ACMG Guidelines, 2015. Collection method: clinical testing. Allele origin: germline. Affected: yes.
Comment: PVS1, PM2

Ambry Genetics
Classification: Pathogenic for Inborn genetic diseases. Last evaluated: 2025-07-10. Review status: criteria provided, single submitter. Criteria: Ambry Variant Classification Scheme 2023. Collection method: clinical testing. Allele origin: germline.
Comment: The c.3781C>T (p.R1261*) alteration, located in exon 24 (coding exon 21) of the ZMYM2 gene, consists of a C to T substitution at nucleotide position 3781. This changes the amino acid from a arginine (R) to a stop codon at amino acid position 1261. This alteration is expected to result in loss of function by premature protein truncation or nonsense-mediated mRNA decay. Based on data from gnomAD, the T allele has an overall frequency of <0.001% (1/248642) total alleles studied. The highest observed frequency was 0.001% (1/112620) of European (non-Finnish) alleles. Based on the available evidence, this alteration is classified as pathogenic.

Juno Genomics, Hangzhou Juno Genomics, Inc
Classification: Uncertain significance for Neurodevelopmental-craniofacial syndrome with variable renal and cardiac abnormalities. Review status: criteria provided, single submitter. Criteria: ACMG Guidelines, 2015. Collection method: clinical testing. Allele origin: germline. Affected: yes.
Comment: Absent from controls (or at extremely low frequency if recessive) in Genome Aggregation Database, Exome Sequencing Project, 1000 Genomes Project, or Exome Aggregation Consortium.;Null variant in a gene where loss of function (LOF) is a known mechanism of disease.;Assumed de novo, but without confirmation of paternity and maternity.